The following is an entry in ClinVar:

ClinVar aggregate classification (germline): Uncertain significance (1 of 4 stars; one submission).

Conditions:
Meckel-Gruber syndrome. Also called: DYSENCEPHALIA SPLANCHNOCYSTICA; GRUBER SYNDROME; Dysencephalia splachnocystica. Identifiers: Orphanet 564, MedGen C0265215, MONDO:0018921.
Joubert syndrome. Also called: CEREBELLOPARENCHYMAL DISORDER IV; JOUBERT-BOLTSHAUSER SYNDROME; Familial aplasia of the vermis. Identifiers: Orphanet 475, MedGen C5979921, MONDO:0018772.

Submission:

Labcorp Genetics (formerly Invitae), Labcorp
Classification: Uncertain significance for Joubert syndrome; Meckel-Gruber syndrome. Last evaluated: 2023-05-08. Review status: criteria provided, single submitter. Criteria: Invitae Variant Classification Sherloc (09022015). Collection method: clinical testing. Allele origin: germline.
Comment: In summary, the available evidence is currently insufficient to determine the role of this variant in disease. Therefore, it has been classified as a Variant of Uncertain Significance. Experimental studies and prediction algorithms are not available or were not evaluated, and the functional significance of this variant is currently unknown. This variant has not been reported in the literature in individuals affected with TCTN2-related conditions. This variant is a gross deletion of the genomic region encompassing exon(s) 9 of the TCTN2 gene. This variant would be expected to be in-frame, preserving the integrity of the reading frame.

NC_000012.11:g.(?_124177185)_(124177290_?)del

Gene: TCTN2 (tectonic family member 2; plus strand). Cytogenetic location: 12q24.31.
Variant type: Deletion.
Identifiers: ClinVar variation 1449842 (VCV001449842.7).